The following is an entry in ClinVar:

NM_013339.4(ALG6):c.1237GAA[2] (p.Glu415del)

Gene: ALG6 (ALG6 alpha-1,3-glucosyltransferase; plus strand). Cytogenetic location: 1p31.3.
Variant type: Microsatellite.
Coding change: c.1237GAA[2] on transcript NM_013339.4 (MANE Select); two copies in a row of the 3-base unit GAA starting at c.1237; the reference has three copies in a row; one copy, 3 bases deleted.
Protein change: p.Glu415del; deletes glutamic acid 415.
Molecular consequence: inframe deletion.
Genome position (GRCh38, 1-based): chr1:63,429,043-63,429,045, GAA deleted; deleting any 3 consecutive bases within chr1:63,429,037-63,429,045 gives the same sequence; the position shown is the placement nearest the transcript's 3' end. VCF-style (leftmost placement, unchanged base first): chr1-63429036-TGAA-T. GRCh37 (hg19) VCF-style: chr1-63894707-TGAA-T.
Other names: short protein forms E415del.
Identifiers: ClinVar variation 552476 (VCV000552476.4), dbSNP rs773295759, ClinGen allele CA888407.

ClinVar aggregate classification (germline): Uncertain significance. Review status: criteria provided, single submitter (1 of 4 stars). 2 submissions from 2 submitters: Uncertain significance (1). 1 of the submissions does not count toward it. Last evaluated 2022-06-13.

Conditions:
ALG6-congenital disorder of glycosylation 1C (CDG1C). Also called: CDG Ic; Congenital disorder of glycosylation, type Ic; CARBOHYDRATE-DEFICIENT GLYCOPROTEIN SYNDROME, TYPE I, WITH DEFICIENT GLYCOSYLATION OF DOLICHOL-LINKED OLIGOSACCHARIDE; CARBOHYDRATE-DEFICIENT GLYCOPROTEIN SYNDROME, TYPE V; Congenital disorder of glycosylation type 1C. Identifiers: Orphanet 79320, MedGen C2930997, MONDO:0011291, OMIM 603147.

Submissions (2):

Labcorp Genetics (formerly Invitae), Labcorp
Classification: Uncertain significance for ALG6-congenital disorder of glycosylation 1C. Last evaluated: 2022-06-13. Review status: criteria provided, single submitter. Criteria: Invitae Variant Classification Sherloc (09022015). Collection method: clinical testing. Allele origin: germline.
Comment: This variant, c.1243_1245del, results in the deletion of 1 amino acid(s) of the ALG6 protein (p.Glu415del), but otherwise preserves the integrity of the reading frame. This variant is present in population databases (rs773295759, gnomAD 0.02%). This variant has not been reported in the literature in individuals affected with ALG6-related conditions. ClinVar contains an entry for this variant (Variation ID: 552476). Experimental studies and prediction algorithms are not available or were not evaluated, and the functional significance of this variant is currently unknown. In summary, the available evidence is currently insufficient to determine the role of this variant in disease. Therefore, it has been classified as a Variant of Uncertain Significance.

Counsyl
Classification: Uncertain significance for ALG6-congenital disorder of glycosylation 1C. Last evaluated: 2017-06-20. Review status: no assertion criteria provided. Collection method: clinical testing. Allele origin: unknown. Not counted in ClinVar's aggregate classification.